The following is an entry in ClinVar:

NM_138393.4(REEP6):c.244G>A (p.Asp82Asn)

Gene: REEP6 (receptor accessory protein 6; plus strand). Cytogenetic location: 19p13.3.
Variant type: single nucleotide variant.
Coding change: c.244G>A on transcript NM_138393.4 (MANE Select); coding-DNA position 244, G replaced by A.
Protein change: p.Asp82Asn; replaces aspartic acid 82 with asparagine.
Molecular consequence: missense variant.
Genome position (GRCh38, 1-based): chr19:1,495,503, G>A. VCF-style: chr19-1495503-G-A. GRCh37 (hg19) VCF-style: chr19-1495502-G-A.
Other names: c.244G>A, p.Asp82Asn (NM_001329556.3); short protein forms D82N.
Identifiers: ClinVar variation 1040541 (VCV001040541.7), dbSNP rs2084998620, ClinGen allele CA403056633.

ClinVar aggregate classification (germline): Uncertain significance. Review status: criteria provided, single submitter (1 of 4 stars). 2 submissions from 2 submitters: Uncertain significance (1). 1 of the submissions does not count toward it. Last evaluated 2026-01-05.

Conditions:
Retinal dystrophy. Also called: Inherited retinal dystrophy. Identifiers: Orphanet 71862, MedGen C0854723, MeSH D058499, MONDO:0019118, HP:0000556.

Allele frequency attached by ClinVar (database versions not stated): TOPMed 0.00001.
gnomAD v4.1: 7 of 1,614,070 alleles (0.00043%); highest among the groups gnomAD compares: East Asian, 0.0022%; no homozygotes.

Submissions (2):

Labcorp Genetics (formerly Invitae), Labcorp
Classification: Uncertain significance. Last evaluated: 2026-01-05. Review status: criteria provided, single submitter. Criteria: Invitae Variant Classification Sherloc (09022015). Collection method: clinical testing. Allele origin: germline.
Comment: This sequence change replaces aspartic acid, which is acidic and polar, with asparagine, which is neutral and polar, at codon 82 of the REEP6 protein (p.Asp82Asn). This variant is not present in population databases (gnomAD no frequency). This variant has not been reported in the literature in individuals affected with REEP6-related conditions. ClinVar contains an entry for this variant (Variation ID: 1040541). Experimental studies and prediction algorithms are not available or were not evaluated, and the functional significance of this variant is currently unknown. In summary, the available evidence is currently insufficient to determine the role of this variant in disease. Therefore, it has been classified as a Variant of Uncertain Significance.

Institute of Human Genetics, Univ. Regensburg, Univ. Regensburg
Classification: Uncertain significance for Retinal dystrophy. Last evaluated: 2020-01-01. Review status: no assertion criteria provided. Criteria: ACMG Guidelines, 2015. Collection method: clinical testing. Allele origin: germline. Affected: yes. Not counted in ClinVar's aggregate classification.